The following is an entry in ClinVar:

NM_000426.4(LAMA2):c.5562C>T (p.Asp1854=)

Gene: LAMA2 (laminin subunit alpha 2; plus strand). Cytogenetic location: 6q22.33.
Variant type: single nucleotide variant.
Coding change: c.5562C>T on transcript NM_000426.4 (MANE Select); coding-DNA position 5562, C replaced by T.
Protein change: p.Asp1854=; no amino-acid change (aspartic acid 1854 retained).
Molecular consequence: synonymous variant.
Genome position (GRCh38, 1-based): chr6:129,401,340, C>T. VCF-style: chr6-129401340-C-T. GRCh37 (hg19) VCF-style: chr6-129722485-C-T.
Other names: c.5562C>T, p.Asp1854= (NM_001079823.2).
Identifiers: ClinVar variation 477491 (VCV000477491.5), dbSNP rs778319385, ClinGen allele CA3993914.

ClinVar aggregate classification (germline): Conflicting classifications of pathogenicity. Review status: criteria provided, conflicting classifications (1 of 4 stars). 2 submissions from 2 submitters: Uncertain significance (1); Likely benign (1). Last evaluated 2023-04-19.

Conditions:
LAMA2-related muscular dystrophy (LAMA2-RD). Also called: Laminin alpha 2-related dystrophy. Identifiers: MedGen C5679788, MONDO:0100228.

Allele frequency attached by ClinVar (database versions not stated): TOPMed 0.00002; gnomAD 0.00004 and 0.00005; gnomAD exomes 0.00004 and 0.00007; ExAC 0.00007.
gnomAD v4.1: 65 of 1,545,704 alleles (0.0042%); highest among the groups gnomAD compares: South Asian, 0.052%; no homozygotes.

Submissions (2):

Blueprint Genetics
Classification: Likely benign. Last evaluated: 2023-04-19. Review status: criteria provided, single submitter. Criteria: ACMG Guidelines, 2015. Collection method: clinical testing. Allele origin: germline.

Labcorp Genetics (formerly Invitae), Labcorp
Classification: Uncertain significance for LAMA2-related muscular dystrophy. Last evaluated: 2021-11-08. Review status: criteria provided, single submitter. Criteria: Invitae Variant Classification Sherloc (09022015). Collection method: clinical testing. Allele origin: germline.
Comment: This sequence change affects codon 1854 of the LAMA2 mRNA. It is a 'silent' change, meaning that it does not change the encoded amino acid sequence of the LAMA2 protein. It affects a nucleotide within the consensus splice site. This variant is present in population databases (rs778319385, gnomAD 0.05%). This variant has not been reported in the literature in individuals affected with LAMA2-related conditions. ClinVar contains an entry for this variant (Variation ID: 477491). Algorithms developed to predict the effect of sequence changes on RNA splicing suggest that this variant may disrupt the consensus splice site. In summary, the available evidence is currently insufficient to determine the role of this variant in disease. Therefore, it has been classified as a Variant of Uncertain Significance.